The following is an entry in ClinVar:

ClinVar aggregate classification (germline): Pathogenic (1 of 4 stars; one submission).

Submission:

Labcorp Genetics (formerly Invitae), Labcorp
Classification: Pathogenic. Last evaluated: 2022-08-16. Review status: criteria provided, single submitter. Criteria: Invitae Variant Classification Sherloc (09022015). Collection method: clinical testing. Allele origin: germline.
Comment: This variant is a gross deletion of the genomic region encompassing exon(s) 25-27 of the CNGB1 gene. This deletion is out-of-frame, and is expected to create a premature termination codon and result in an absent or disrupted protein product. Loss-of-function variants in CNGB1 are known to be pathogenic (PMID: 15557452, 24043777). A similar copy number variant has been observed in individual(s) with retinitis pigmentosa (PMID: 29074561). For these reasons, this variant has been classified as Pathogenic.

Literature cited by the submitters: PubMed 15557452; PubMed 24043777; PubMed 29074561.

NC_000016.10:g.(?_57903822)_(57911875_?)del

Gene: CNGB1 (cyclic nucleotide gated channel subunit beta 1; minus strand). Cytogenetic location: 16q21.
Variant type: Deletion.
Identifiers: ClinVar variation 830985 (VCV000830985.5).